The following is an entry in ClinVar:

ClinVar aggregate classification (germline): Uncertain significance (1 of 4 stars; one submission).

gnomAD v4.1: 5 of 1,614,084 alleles (0.00031%); highest among the groups gnomAD compares: Non-Finnish European, 0.00042%; no homozygotes.

Submission:

GeneDx
Classification: Uncertain significance. Last evaluated: 2019-06-27. Review status: criteria provided, single submitter. Criteria: GeneDx Variant Classification Process June 2021. Collection method: clinical testing. Allele origin: germline. Affected: yes.
Comment: Not observed at a significant frequency in large population cohorts (Lek et al., 2016); In silico analysis, which includes protein predictors and evolutionary conservation, supports a deleterious effect; Has not been previously published as pathogenic or benign to our knowledge

NM_024996.7(GFM1):c.1814C>T (p.Ser605Phe)

Gene: GFM1 (G elongation factor mitochondrial 1; plus strand). Cytogenetic location: 3q25.32.
Variant type: single nucleotide variant.
Coding change: c.1814C>T on transcript NM_024996.7 (MANE Select); coding-DNA position 1814, C replaced by T.
Protein change: p.Ser605Phe; replaces serine 605 with phenylalanine.
Molecular consequence: missense variant. On other transcripts: non-coding transcript variant (2).
Genome position (GRCh38, 1-based): chr3:158,684,573, C>T. VCF-style: chr3-158684573-C-T. GRCh37 (hg19) VCF-style: chr3-158402362-C-T.
Other names: c.1871C>T, p.Ser624Phe (NM_001308164.2); c.1733C>T, p.Ser578Phe (NM_001374355.1); c.1697C>T, p.Ser566Phe (NM_001374356.1); c.1589C>T, p.Ser530Phe (NM_001374357.1); c.1355C>T, p.Ser452Phe (NM_001374358.1); c.1247C>T, p.Ser416Phe (NM_001374359.1, NM_001374360.1); c.1130C>T, p.Ser377Phe (NM_001374361.1); short protein forms S377F, S416F, S452F, S530F, S566F, S578F, S605F, S624F.
Identifiers: ClinVar variation 1304245 (VCV001304245.2), dbSNP rs764772830, ClinGen allele CA2683000.